The following is an entry in ClinVar:

ClinVar aggregate classification (germline): Likely benign (0 of 4 stars; one submission).

Conditions:
UBE2H-related disorder. Also called: UBE2H-related condition.

Allele frequency attached by ClinVar (database versions not stated): TOPMed 0.00005; ExAC 0.00006; gnomAD 0.00008; 1000 Genomes Project 30x 0.00016; 1000 Genomes Project 0.00020.
gnomAD v4.1: 82 of 1,614,058 alleles (0.0051%); highest among the groups gnomAD compares: East Asian, 0.038%; no homozygotes.

Submission:

PreventionGenetics, part of Exact Sciences
Classification: Likely benign for UBE2H-related condition. Last evaluated: 2019-08-09. Review status: no assertion criteria provided. Collection method: clinical testing. Allele origin: germline.
Comment: This variant is classified as likely benign based on ACMG/AMP sequence variant interpretation guidelines (Richards et al. 2015 PMID: 25741868, with internal and published modifications).

NM_003344.4(UBE2H):c.459G>A (p.Ala153=)

Gene: UBE2H (ubiquitin conjugating enzyme E2 H; minus strand). Cytogenetic location: 7q32.2.
Variant type: single nucleotide variant.
Coding change: c.459G>A on transcript NM_003344.4 (MANE Select); coding-DNA position 459, G replaced by A.
Protein change: p.Ala153=; no amino-acid change (alanine 153 retained).
Molecular consequence: synonymous variant.
Genome position (GRCh38, 1-based): chr7:129,835,030, C>T on the plus strand (G>A on the coding strand, the complement: UBE2H is on the minus strand). VCF-style: chr7-129835030-C-T. GRCh37 (hg19) VCF-style: chr7-129474870-C-T.
Other names: c.249G>A, p.Ala83= (NM_001202498.2); c.366G>A, p.Ala122= (NM_182697.3).
Identifiers: ClinVar variation 3034644 (VCV003034644.2), dbSNP rs529670544, ClinGen allele CA4481455.